The following is an entry in ClinVar:

ClinVar aggregate classification (germline): Uncertain significance (1 of 4 stars; one submission).

gnomAD v4.1: 30 of 1,614,084 alleles (0.0019%); highest among the groups gnomAD compares: Admixed American, 0.0067%; no homozygotes.

Submission:

Labcorp Genetics (formerly Invitae), Labcorp
Classification: Uncertain significance. Last evaluated: 2024-05-13. Review status: criteria provided, single submitter. Criteria: Invitae Variant Classification Sherloc (09022015). Collection method: clinical testing. Allele origin: germline.
Comment: This sequence change replaces valine, which is neutral and non-polar, with isoleucine, which is neutral and non-polar, at codon 613 of the ADCY1 protein (p.Val613Ile). This variant is present in population databases (rs752410249, gnomAD 0.01%). This variant has not been reported in the literature in individuals affected with ADCY1-related conditions. Advanced modeling of protein sequence and biophysical properties (such as structural, functional, and spatial information, amino acid conservation, physicochemical variation, residue mobility, and thermodynamic stability) performed at Invitae indicates that this missense variant is not expected to disrupt ADCY1 protein function with a negative predictive value of 80%. In summary, the available evidence is currently insufficient to determine the role of this variant in disease. Therefore, it has been classified as a Variant of Uncertain Significance.

NM_021116.4(ADCY1):c.1837G>A (p.Val613Ile)

Gene: ADCY1 (adenylate cyclase 1; plus strand). Cytogenetic location: 7p12.3.
Variant type: single nucleotide variant.
Coding change: c.1837G>A on transcript NM_021116.4 (MANE Select); coding-DNA position 1837, G replaced by A.
Protein change: p.Val613Ile; replaces valine 613 with isoleucine.
Molecular consequence: missense variant.
Genome position (GRCh38, 1-based): chr7:45,678,202, G>A. VCF-style: chr7-45678202-G-A. GRCh37 (hg19) VCF-style: chr7-45717801-G-A.
Other names: short protein forms V613I.
Identifiers: ClinVar variation 3708966 (VCV003708966.2).